The following is an entry in ClinVar:

ClinVar aggregate classification (germline): Likely benign. Review status: criteria provided, multiple submitters, no conflicts (2 of 4 stars). 3 submissions from 3 submitters: Likely benign (2). 1 of the submissions does not count toward it. Last evaluated 2025-04-23.

Conditions:
NTHL1-related disorder. Also called: NTHL1-related conditions; NTHL1-related condition.
Hereditary cancer-predisposing syndrome. Also called: Tumor predisposition; Neoplastic Syndromes, Hereditary; Hereditary Cancer Syndrome; Hereditary neoplastic syndrome. Identifiers: Orphanet 140162, MedGen C0027672, MeSH D009386, MONDO:0015356.

Submissions (3):

Labcorp Genetics (formerly Invitae), Labcorp
Classification: Likely benign. Last evaluated: 2025-04-23. Review status: criteria provided, single submitter. Criteria: Invitae Variant Classification Sherloc (09022015). Collection method: clinical testing. Allele origin: germline.

Ambry Genetics
Classification: Likely benign for Hereditary cancer-predisposing syndrome. Last evaluated: 2024-06-05. Review status: criteria provided, single submitter. Criteria: Ambry Variant Classification Scheme 2023. Collection method: clinical testing. Allele origin: germline.

PreventionGenetics, part of Exact Sciences
Classification: Likely benign for NTHL1-related condition. Last evaluated: 2024-03-05. Review status: no assertion criteria provided. Collection method: clinical testing. Allele origin: germline. Not counted in ClinVar's aggregate classification.
Comment: This variant is classified as likely benign based on ACMG/AMP sequence variant interpretation guidelines (Richards et al. 2015 PMID: 25741868, with internal and published modifications).

NM_002528.7(NTHL1):c.116-9dup

Gene: NTHL1 (nth like DNA glycosylase 1; minus strand). Cytogenetic location: 16p13.3.
Variant type: Duplication.
Coding change: c.116-9dup on transcript NM_002528.7 (MANE Select); 9 bases into the intron before coding-DNA position 116, one base duplicated (T; older notation c.116-9dupT).
Molecular consequence: intron variant.
Genome position (GRCh38, 1-based): chr16:2,046,371, A duplicated on the plus strand (T on the coding strand, the reverse complement: NTHL1 is on the minus strand); the first of 5 consecutive A bases (chr16:2,046,371-2,046,375); duplicating any one gives the same sequence. VCF-style (leftmost placement, unchanged base first): chr16-2046370-C-CA. GRCh37 (hg19) VCF-style: chr16-2096371-C-CA.
Other names: c.-63-9dup (NM_001318194.2); c.116-9dup (NM_001318193.2); c.140-5dupT (NM_002528.6).
Identifiers: ClinVar variation 798977 (VCV000798977.15), dbSNP rs1596223593, ClinGen allele CA915946198.